The following is an entry in ClinVar:

ClinVar aggregate classification (germline): Likely benign (1 of 4 stars; one submission).

Conditions:
Neurodevelopmental disorder with hypotonia and characteristic brain abnormalities (NEDHBA). Identifiers: Orphanet 664430, MedGen C5935589, MONDO:0958278, OMIM 620746.

Submission:

Centre for Medical Genetics,  Mumbai
Classification: Likely benign for Neurodevelopmental disorder with hypotonia and characteristic brain abnormalities. Last evaluated: 2026-04-27. Review status: criteria provided, single submitter. Criteria: ACMG Guidelines, 2015. Collection method: provider interpretation. Allele origin: germline. Inheritance: Autosomal recessive inheritance. Affected: no. Observed: 1 variant allele, 1 homozygote.
Comment: The variant satisfies PM2 criteria - extremely low frequency in gnomAD population databases. The variant satisfies PP3 criteria - for a missense or a splicing region variant, computational prediction tools unanimously support a deleterious effect on the gene. However, the variant satisfies BS2 criteria - present in homozygous state in an individual that clinically does not have Neurodevelopmental disorder with hypotonia and characteristic brain abnormalities.

Literature cited by the submitters: PubMed 31130284.

NM_001178015.2(SLC4A10):c.2541+6T>C

Gene: SLC4A10 (solute carrier family 4 member 10; plus strand). Cytogenetic location: 2q24.2.
Variant type: single nucleotide variant.
Coding change: c.2541+6T>C on transcript NM_001178015.2 (MANE Select); 6 bases into the intron after coding-DNA position 2541, T replaced by C.
Molecular consequence: intron variant.
Genome position (GRCh38, 1-based): chr2:161,950,854, T>C. VCF-style: chr2-161950854-T-C. GRCh37 (hg19) VCF-style: chr2-162807364-T-C.
Other names: c.2577+6T>C (NM_001354461.2, NM_001354460.2); c.2487+6T>C (NM_001354447.2, NM_001354443.2); c.2574+6T>C (NM_001354441.2, NM_001354442.2); c.2484+6T>C (NM_001178016.2, NM_001354445.2); c.2481+6T>C (NM_001354448.2); c.1872+6T>C (NM_001354455.2); c.2541+6T>C (NM_001354440.2); c.2451+6T>C (NM_022058.4, NM_001354450.2, NM_001354446.2); and 3 more.
Identifiers: ClinVar variation 4852275 (VCV004852275.1).